The following is an entry in ClinVar:

ClinVar aggregate classification (germline): Likely pathogenic. Review status: reviewed by expert panel (3 of 4 stars). 6 submissions from 6 submitters: Likely pathogenic (1). 5 of the submissions do not count toward it. Last evaluated 2023-08-24.

Conditions:
Hereditary cancer-predisposing syndrome. Also called: Tumor predisposition; Hereditary Cancer Syndrome; Hereditary neoplastic syndrome; Neoplastic Syndromes, Hereditary. Identifiers: Orphanet 140162, MedGen C0027672, MeSH D009386, MONDO:0015356.
CDH1-related diffuse gastric and lobular breast cancer syndrome. Also called: CDH1-related diffuse gastric and lobular breast cancer. Identifiers: MedGen CN311521, MONDO:0100488.
Hereditary diffuse gastric adenocarcinoma (HDGC). Also called: DIFFUSE GASTRIC AND LOBULAR BREAST CANCER SYNDROME. Identifiers: Orphanet 26106, MedGen C1708349, MONDO:0007648, OMIM 137215.

Submissions (6):

Clingen Gastric Cancer Variant Curation Expert Panel
Classification: Likely pathogenic for CDH1-related diffuse gastric and lobular breast cancer syndrome. Last evaluated: 2023-08-24. Review status: reviewed by expert panel. Criteria: ClinGen CDH1 ACMG Specifications V3.1. Collection method: curation. Allele origin: germline. Inheritance: Autosomal dominant inheritance.
Comment: The c.1057G>A (p.Glu353Lys) variant is absent in the gnomAD cohort (PM2_supporting). This variant has been reported in at least two families meeting HDGC clinical criteria (PS4_moderate; SCV001378233.1, SCV000580696.4). There is an RNA assay demonstrating an abnormal out-of-frame transcript for this variant (PS3; PMID: 32133419). This variant is predicted to affect splicing by SpliceAI (Donor Gain: score = 0.54 at -3 bp) (PP3). In summary, this variant meets criteria to be classified as likely pathogenic based on the ACMG/AMP criteria applied as specified by the CDH1 Variant Curation Expert Panel (v3.1): PS3, PS4_moderate, PM2_supporting, PP3.

Myriad Genetics, Inc.
Classification: Likely pathogenic for Hereditary diffuse gastric adenocarcinoma. Last evaluated: 2025-03-20. Review status: criteria provided, single submitter. Criteria: Myriad Autosomal Dominant, Autosomal Recessive and X-Linked Classification Criteria (2023). Collection method: clinical testing. Allele origin: unknown. Not counted in ClinVar's aggregate classification.
Comment: This variant is considered likely pathogenic. This variant has been reported in an individual with clinical features of gene-specific disease [PMID: 32701958]. mRNA analysis has demonstrated abnormal mRNA splicing occurs [Myriad internal data, PMID: 32133419].

Ambry Genetics
Classification: Pathogenic for Hereditary cancer-predisposing syndrome. Last evaluated: 2025-01-15. Review status: criteria provided, single submitter. Criteria: Ambry Variant Classification Scheme 2023. Collection method: clinical testing. Allele origin: germline. Not counted in ClinVar's aggregate classification.
Comment: The p.E353K variant (also known as c.1057G>A), located in coding exon 8 of the CDH1 gene, results from a G to A substitution at nucleotide position 1057. The glutamic acid at codon 353 is replaced by lysine, an amino acid with similar properties. This alteration has been detected in individuals whose personal and/or family histories are consistent with CDH1-associated hereditary cancer syndrome (Choi YJ et al. PLoS One, 2020 Jul;15:e0236197; Ambry internal data). In silico splice site analysis predicts that this alteration will result in the creation or strengthening of a novel splice donor site. This prediction was supported in RNA studies demonstrating abnormal splicing in the set of samples tested (Ambry internal data). This variant was not reported in population-based cohorts in the Genome Aggregation Database (gnomAD) (Lek M et al. Nature. 2016 08;536:285-91). Based on the supporting evidence, this alteration is interpreted as a disease-causing mutation.

Labcorp Genetics (formerly Invitae), Labcorp
Classification: Pathogenic for Hereditary diffuse gastric adenocarcinoma. Last evaluated: 2024-12-26. Review status: criteria provided, single submitter. Criteria: Invitae Variant Classification Sherloc (09022015). Collection method: clinical testing. Allele origin: germline. Not counted in ClinVar's aggregate classification.
Comment: This sequence change replaces glutamic acid, which is acidic and polar, with lysine, which is basic and polar, at codon 353 of the CDH1 protein (p.Glu353Lys). RNA analysis indicates that this missense change induces altered splicing and may result in an absent or altered protein product. This variant is not present in population databases (gnomAD no frequency). This missense change has been observed in individuals with clinical features of hereditary diffuse gastric cancer (PMID: 32133419; external communication, internal data). ClinVar contains an entry for this variant (Variation ID: 234571). An algorithm developed to predict the effect of missense changes on protein structure and function (PolyPhen-2) suggests that this variant is likely to be tolerated. Studies have shown that this missense change results in activation of a cryptic splice site, and produces a non-functional protein and/or introduces a premature termination codon (PMID: 32133419). For these reasons, this variant has been classified as Pathogenic.

Quest Diagnostics Nichols Institute San Juan Capistrano
Classification: Uncertain significance. Last evaluated: 2019-12-09. Review status: criteria provided, single submitter. Criteria: Quest Diagnostics criteria. Collection method: clinical testing. Allele origin: unknown. Not counted in ClinVar's aggregate classification.

GeneDx
Classification: Uncertain significance. Last evaluated: 2018-08-08. Review status: criteria provided, single submitter. Criteria: GeneDx Variant Classification (06012015). Collection method: clinical testing. Allele origin: germline. Affected: yes. Not counted in ClinVar's aggregate classification.
Comment: This variant is denoted CDH1 c.1057G>A at the cDNA level, p.Glu353Lys (E353K) at the protein level, and results in the change of a Glutamic Acid to a Lysine (GAG>AAG). This variant has not, to our knowledge, been published in the literature as a pathogenic or benign germline variant. CDH1 Glu353Lys was not observed in large population cohorts (Lek 2016). This variant is located in the cadherin 2 repeat within the extracellular domain (UniProt, Brooks-Wilson 2004, Figueiredo 2013). In silico analysis, which includes protein predictors and evolutionary conservation, supports that this variant does not alter protein structure/function. Based on currently available evidence, it is unclear whether CDH1 Glu353Lys is a pathogenic or benign variant. We consider it to be a variant of uncertain significance.

Literature cited by the submitters: PubMed 32133419 (cited by 3 submitters); PubMed 32701958 (cited by Myriad Genetics, Inc. and Ambry Genetics).

NM_004360.5(CDH1):c.1057G>A (p.Glu353Lys)

Gene: CDH1 (cadherin 1; plus strand). Cytogenetic location: 16q22.1.
Variant type: single nucleotide variant.
Coding change: c.1057G>A on transcript NM_004360.5 (MANE Select); coding-DNA position 1057, G replaced by A.
Protein change: p.Glu353Lys; replaces glutamic acid 353 with lysine.
Molecular consequence: missense variant. On other transcripts: 5 prime UTR variant (2).
Genome position (GRCh38, 1-based): chr16:68,812,183, G>A. VCF-style: chr16-68812183-G-A. GRCh37 (hg19) VCF-style: chr16-68846086-G-A.
Other names: NM_004360.5(CDH1):c.1057G>A; p.Glu353Lys; c.1057G>A, p.Glu353Lys (NM_001317184.2); c.-559G>A (NM_001317185.2); c.-763G>A (NM_001317186.2); c.1057G>A (LRG_301t1); short protein forms E353K.
Identifiers: ClinVar variation 234571 (VCV000234571.22), dbSNP rs876661091, ClinGen allele CA10577540.